The following is an entry in ClinVar:

NM_130837.3(OPA1):c.1701T>G (p.Ile567Met)

Gene: OPA1 (OPA1 mitochondrial dynamin like GTPase; plus strand). Cytogenetic location: 3q29.
Variant type: single nucleotide variant.
Coding change: c.1701T>G on transcript NM_130837.3 (MANE Select); coding-DNA position 1701, T replaced by G.
Protein change: p.Ile567Met; replaces isoleucine 567 with methionine.
Molecular consequence: missense variant.
Genome position (GRCh38, 1-based): chr3:193,645,747, T>G. VCF-style: chr3-193645747-T-G. GRCh37 (hg19) VCF-style: chr3-193363536-T-G.
Other names: c.1167T>G, p.Ile389Met (NM_001354663.2); c.1164T>G, p.Ile388Met (NM_001354664.2); c.1536T>G, p.Ile512Met (NM_015560.3); c.1428T>G, p.Ile476Met (NM_130831.3); c.1482T>G, p.Ile494Met (NM_130832.3); c.1539T>G, p.Ile513Met (NM_130833.3); c.1590T>G, p.Ile530Met (NM_130834.3); c.1593T>G, p.Ile531Met (NM_130835.3); and 1 more; short protein forms I513M, I567M, I476M, I512M, I549M, I388M, I530M, I531M.
Identifiers: ClinVar variation 1483147 (VCV001483147.8), dbSNP rs2109058778, ClinGen allele CA355790207.

ClinVar aggregate classification (germline): Uncertain significance (1 of 4 stars; one submission).

Submission:

Labcorp Genetics (formerly Invitae), Labcorp
Classification: Uncertain significance. Last evaluated: 2022-10-13. Review status: criteria provided, single submitter. Criteria: Invitae Variant Classification Sherloc (09022015). Collection method: clinical testing. Allele origin: germline.
Comment: In summary, the available evidence is currently insufficient to determine the role of this variant in disease. Therefore, it has been classified as a Variant of Uncertain Significance. Advanced modeling of protein sequence and biophysical properties (such as structural, functional, and spatial information, amino acid conservation, physicochemical variation, residue mobility, and thermodynamic stability) performed at Invitae indicates that this missense variant is expected to disrupt OPA1 protein function. ClinVar contains an entry for this variant (Variation ID: 1483147). This variant has not been reported in the literature in individuals affected with OPA1-related conditions. This variant is not present in population databases (gnomAD no frequency). This sequence change replaces isoleucine, which is neutral and non-polar, with methionine, which is neutral and non-polar, at codon 512 of the OPA1 protein (p.Ile512Met).